The following is an entry in ClinVar:

NM_020320.5(RARS2):c.829C>T (p.Gln277Ter)

Gene: RARS2 (arginyl-tRNA synthetase 2, mitochondrial; minus strand). Cytogenetic location: 6q15.
Variant type: single nucleotide variant.
Coding change: c.829C>T on transcript NM_020320.5 (MANE Select); coding-DNA position 829, C replaced by T.
Protein change: p.Gln277Ter; replaces glutamine 277 with a stop codon.
Molecular consequence: nonsense. On other transcripts: non-coding transcript variant (23).
Genome position (GRCh38, 1-based): chr6:87,529,591, G>A on the plus strand (C>T on the coding strand, the complement: RARS2 is on the minus strand). VCF-style: chr6-87529591-G-A. GRCh37 (hg19) VCF-style: chr6-88239309-G-A.
Other names: c.304C>T, p.Gln102Ter (NM_001318785.2, NM_001350506.2, NM_001350507.2 and 4 more transcripts); c.829C>T, p.Gln277Ter (NM_001350505.2); c.829C>T (NM_020320.4); short protein forms Q102*, Q277*.
Identifiers: ClinVar variation 2420230 (VCV002420230.8), dbSNP rs758622612, ClinGen allele CA3916507.

ClinVar aggregate classification (germline): Pathogenic/Likely pathogenic. Review status: criteria provided, multiple submitters, no conflicts (2 of 4 stars). 3 submissions from 3 submitters: Pathogenic (1); Likely pathogenic (2). Last evaluated 2024-12-12.

Conditions:
Pontocerebellar hypoplasia type 6 (PCH6). Identifiers: Orphanet 166073, MedGen C1969084, MONDO:0012683, OMIM 611523.

Allele frequency attached by ClinVar (database versions not stated): TOPMed below 0.00001; ExAC 0.00001; gnomAD 0.00001; gnomAD exomes 0.00001.

Submissions (3):

Natera, Inc.
Classification: Likely pathogenic for Pontocerebellar hypoplasia, type 6. Last evaluated: 2024-12-12. Review status: criteria provided, single submitter. Criteria: Natera Variant Classification Schema (03/2026). Collection method: clinical testing. Allele origin: germline.
Comment: The c.829C>T variant in RARS2 is a nonsense variant predicted to introduce a stop codon at amino acid 277. This variant is expected to result in nonsense mediated decay, truncation, or a dysfunctional protein product. This variant is rare in the general population with a frequency below the threshold expected for the associated phenotype(s). Given the available evidence, this variant is classified as Likely Pathogenic.

Baylor Genetics
Classification: Likely pathogenic for Pontocerebellar hypoplasia type 6. Last evaluated: 2023-10-30. Review status: criteria provided, single submitter. Criteria: ACMG Guidelines, 2015. Collection method: clinical testing. Allele origin: unknown.

Labcorp Genetics (formerly Invitae), Labcorp
Classification: Pathogenic. Last evaluated: 2023-03-19. Review status: criteria provided, single submitter. Criteria: Invitae Variant Classification Sherloc (09022015). Collection method: clinical testing. Allele origin: germline.
Comment: This sequence change creates a premature translational stop signal (p.Gln277*) in the RARS2 gene. It is expected to result in an absent or disrupted protein product. Loss-of-function variants in RARS2 are known to be pathogenic (PMID: 17847012, 22569581, 26083569). For these reasons, this variant has been classified as Pathogenic. Algorithms developed to predict the effect of sequence changes on RNA splicing suggest that this variant may disrupt the consensus splice site. ClinVar contains an entry for this variant (Variation ID: 2420230). This variant has not been reported in the literature in individuals affected with RARS2-related conditions. This variant is present in population databases (rs758622612, gnomAD 0.0009%).

Literature cited by the submitters: PubMed 17847012 (cited by Labcorp Genetics (formerly Invitae), Labcorp); PubMed 22569581 (cited by Labcorp Genetics (formerly Invitae), Labcorp); PubMed 26083569 (cited by Labcorp Genetics (formerly Invitae), Labcorp).